The following is an entry in ClinVar:

ClinVar aggregate classification (germline): Pathogenic (1 of 4 stars; one submission).

Submission:

Labcorp Genetics (formerly Invitae), Labcorp
Classification: Pathogenic. Last evaluated: 2022-09-19. Review status: criteria provided, single submitter. Criteria: Invitae Variant Classification Sherloc (09022015). Collection method: clinical testing. Allele origin: germline.
Comment: For these reasons, this variant has been classified as Pathogenic. Algorithms developed to predict the effect of sequence changes on RNA splicing suggest that this variant may disrupt the consensus splice site. ClinVar contains an entry for this variant (Variation ID: 968069). This variant has not been reported in the literature in individuals affected with RINT1-related conditions. This variant is not present in population databases (gnomAD no frequency). This sequence change creates a premature translational stop signal (p.Ile306Profs*12) in the RINT1 gene. It is expected to result in an absent or disrupted protein product. Loss-of-function variants in RINT1 are known to be pathogenic (PMID: 31204009).

Literature cited by the submitters: PubMed 31204009.

NM_021930.6(RINT1):c.896_915dup (p.Ile306fs)

Gene: RINT1 (RAD50 interactor 1; plus strand). Cytogenetic location: 7q22.3.
Variant type: Duplication.
Coding change: c.896_915dup on transcript NM_021930.6 (MANE Select); coding-DNA positions 896 to 915, 20 bases duplicated (CCCCTTCTGTCATCCTGCCC).
Protein change: p.Ile306fs; shifts the reading frame from isoleucine 306.
Molecular consequence: frameshift variant. On other transcripts: 5 prime UTR variant (2), non-coding transcript variant (1), intron variant (1).
Genome position (GRCh38, 1-based): chr7:105,548,610-105,548,629, CCCCTTCTGTCATCCTGCCC duplicated. VCF-style (leftmost placement, unchanged base first): chr7-105548609-T-TCCCCTTCTGTCATCCTGCCC. GRCh37 (hg19) VCF-style: chr7-105189056-T-TCCCCTTCTGTCATCCTGCCC.
Other names: c.662_681dup, p.Ile228fs (NM_001346599.2); c.-124_-105dup (NM_001346600.2); c.-29_-10dup (NM_001346601.2); c.-27-1445_-27-1426dup (NM_001346603.2); short protein forms I306fs, I228fs.
Identifiers: ClinVar variation 968069 (VCV000968069.7), dbSNP rs1790785997, ClinGen allele CA1139660160.